The following is an entry in ClinVar:

NM_001360.3(DHCR7):c.1224C>G (p.Tyr408Ter)

Gene: DHCR7 (7-dehydrocholesterol reductase; minus strand). Cytogenetic location: 11q13.4.
Variant type: single nucleotide variant.
Coding change: c.1224C>G on transcript NM_001360.3 (MANE Select); coding-DNA position 1224, C replaced by G.
Protein change: p.Tyr408Ter; replaces tyrosine 408 with a stop codon.
Molecular consequence: nonsense. On other transcripts: missense variant (2).
Genome position (GRCh38, 1-based): chr11:71,435,579, G>C on the plus strand (C>G on the coding strand, the complement: DHCR7 is on the minus strand). VCF-style: chr11-71435579-G-C. GRCh37 (hg19) VCF-style: chr11-71146625-G-C.
Other names: c.1224C>G, p.Tyr408Ter (NM_001163817.2, NM_001425109.1, NM_001425110.1 and 1 more transcripts); c.1275C>G, p.Tyr425Ter (NM_001425107.1); c.1260C>G, p.Tyr420Ter (NM_001425108.1); c.1358C>G, p.Thr453Arg (NM_001425112.1); c.1164C>G, p.Tyr388Ter (NM_001425113.1); c.1128C>G, p.Tyr376Ter (NM_001425114.1); c.1262C>G, p.Thr421Arg (NM_001425116.1); c.1050C>G, p.Tyr350Ter (NM_001425117.1); and 1 more; short protein forms T421R, Y350*, Y425*, Y388*, Y408*, Y420*, T453R, Y376*.
Identifiers: ClinVar variation 2790179 (VCV002790179.4), dbSNP rs777148033, ClinGen allele CA381701393.

ClinVar aggregate classification (germline): Pathogenic/Likely pathogenic. Review status: criteria provided, multiple submitters, no conflicts (2 of 4 stars). 2 submissions from 2 submitters: Pathogenic (1); Likely pathogenic (1). Last evaluated 2025-12-17.

Conditions:
Smith-Lemli-Opitz syndrome (SLOS). Also called: RSH SYNDROME; RUTLEDGE LETHAL MULTIPLE CONGENITAL ANOMALY SYNDROME; 7-Dehydrocholesterol reductase deficiency; LETHAL ACRODYSGENITAL SYNDROME; POLYDACTYLY, SEX REVERSAL, RENAL HYPOPLASIA, AND UNILOBAR LUNG. Identifiers: Orphanet 818, MedGen C0175694, MONDO:0010035, OMIM 270400.

gnomAD v4.1: 1 of 1,611,280 alleles (0.000062%); highest among the groups gnomAD compares: Non-Finnish European, 0.000085%; no homozygotes.

Submissions (2):

Natera, Inc.
Classification: Likely pathogenic for Smith-Lemli-Opitz syndrome. Last evaluated: 2025-12-17. Review status: criteria provided, single submitter. Criteria: Natera Variant Classification Schema (03/2026). Collection method: clinical testing. Allele origin: germline.
Comment: The c.1224C>G variant in DHCR7 is a nonsense variant predicted to introduce a stop codon at amino acid 408. This variant is expected to result in nonsense mediated decay, truncation, or a dysfunctional protein product. This variant is rare in the general population with a frequency below the threshold expected for the associated phenotype(s). Given the available evidence, this variant is classified as Likely Pathogenic.

Labcorp Genetics (formerly Invitae), Labcorp
Classification: Pathogenic for Smith-Lemli-Opitz syndrome. Last evaluated: 2022-11-18. Review status: criteria provided, single submitter. Criteria: Invitae Variant Classification Sherloc (09022015). Collection method: clinical testing. Allele origin: germline.
Comment: This variant is not present in population databases (gnomAD no frequency). For these reasons, this variant has been classified as Pathogenic. This variant disrupts a region of the DHCR7 protein in which other variant(s) (p.Phe475Ser) have been determined to be pathogenic (PMID: 15776424). This suggests that this is a clinically significant region of the protein, and that variants that disrupt it are likely to be disease-causing. This variant has not been reported in the literature in individuals affected with DHCR7-related conditions. This sequence change creates a premature translational stop signal (p.Tyr408*) in the DHCR7 gene. While this is not anticipated to result in nonsense mediated decay, it is expected to disrupt the last 68 amino acid(s) of the DHCR7 protein.

Literature cited by the submitters: PubMed 15776424 (cited by Labcorp Genetics (formerly Invitae), Labcorp).